The following is an entry in ClinVar:

ClinVar aggregate classification (germline): Uncertain significance (1 of 4 stars; one submission).

Conditions:
Hereditary cancer-predisposing syndrome. Also called: Hereditary Cancer Syndrome; Neoplastic Syndromes, Hereditary; Tumor predisposition; Hereditary neoplastic syndrome. Identifiers: Orphanet 140162, MedGen C0027672, MeSH D009386, MONDO:0015356.

Submission:

Ambry Genetics
Classification: Uncertain significance for Hereditary cancer-predisposing syndrome. Last evaluated: 2021-08-13. Review status: criteria provided, single submitter. Criteria: Ambry Variant Classification Scheme 2023. Collection method: clinical testing. Allele origin: germline.
Comment: The p.G181* variant (also known as c.541G>T), located in coding exon 1 of the MET gene, results from a G to T substitution at nucleotide position 541. This changes the amino acid from a glycine to a stop codon within coding exon 1. This alteration is expected to result in premature protein truncation or nonsense-mediated mRNA decay. However, loss of function of MET has not been clearly established as a mechanism of disease. Since supporting evidence is limited at this time, the clinical significance of this alteration remains unclear.

NM_000245.4(MET):c.541G>T (p.Gly181Ter)

Gene: MET (MET proto-oncogene, receptor tyrosine kinase; plus strand). Cytogenetic location: 7q31.2.
Variant type: single nucleotide variant.
Coding change: c.541G>T on transcript NM_000245.4 (MANE Select); coding-DNA position 541, G replaced by T.
Protein change: p.Gly181Ter; replaces glycine 181 with a stop codon.
Molecular consequence: nonsense. On other transcripts: intron variant (1).
Genome position (GRCh38, 1-based): chr7:116,699,625, G>T. VCF-style: chr7-116699625-G-T. GRCh37 (hg19) VCF-style: chr7-116339679-G-T.
Other names: c.541G>T, p.Gly181Ter (NM_001127500.3, NM_001324401.3); c.-91+27048G>T (NM_001324402.2); short protein forms G181*.
Identifiers: ClinVar variation 1747440 (VCV001747440.2), dbSNP rs779040487, ClinGen allele CA368969307.